The following is an entry in ClinVar:

ClinVar aggregate classification (germline): Uncertain significance (1 of 4 stars; one submission).

Submission:

Labcorp Genetics (formerly Invitae), Labcorp
Classification: Uncertain significance. Last evaluated: 2024-08-12. Review status: criteria provided, single submitter. Criteria: Invitae Variant Classification Sherloc (09022015). Collection method: clinical testing. Allele origin: germline.
Comment: This sequence change replaces glycine, which is neutral and non-polar, with serine, which is neutral and polar, at codon 328 of the ZNF513 protein (p.Gly328Ser). This variant is not present in population databases (gnomAD no frequency). This variant has not been reported in the literature in individuals affected with ZNF513-related conditions. ClinVar contains an entry for this variant (Variation ID: 1379117). An algorithm developed to predict the effect of missense changes on protein structure and function (PolyPhen-2) suggests that this variant is likely to be disruptive. In summary, the available evidence is currently insufficient to determine the role of this variant in disease. Therefore, it has been classified as a Variant of Uncertain Significance.

NM_144631.6(ZNF513):c.982G>A (p.Gly328Ser)

Gene: ZNF513 (zinc finger protein 513; minus strand). Cytogenetic location: 2p23.3.
Variant type: single nucleotide variant.
Coding change: c.982G>A on transcript NM_144631.6 (MANE Select); coding-DNA position 982, G replaced by A.
Protein change: p.Gly328Ser; replaces glycine 328 with serine.
Molecular consequence: missense variant.
Genome position (GRCh38, 1-based): chr2:27,378,189, C>T on the plus strand (G>A on the coding strand, the complement: ZNF513 is on the minus strand). VCF-style: chr2-27378189-C-T. GRCh37 (hg19) VCF-style: chr2-27601056-C-T.
Other names: c.796G>A, p.Gly266Ser (NM_001201459.2); short protein forms G266S, G328S.
Identifiers: ClinVar variation 1379117 (VCV001379117.6), dbSNP rs2148412446, ClinGen allele CA346216544.